The following is an entry in ClinVar:

ClinVar aggregate classification (germline): Likely pathogenic (1 of 4 stars; one submission).

Conditions:
Retinitis pigmentosa 25 (RP25). Identifiers: Orphanet 791, MedGen C1864446, MONDO:0011272, OMIM 602772.

Submission:

Natera, Inc.
Classification: Likely pathogenic for Retinitis pigmentosa type 25. Last evaluated: 2025-10-30. Review status: criteria provided, single submitter. Criteria: Natera Variant Classification Schema (03/2026). Collection method: clinical testing. Allele origin: germline.
Comment: The c.5384_5385del variant in EYS is a frameshift variant predicted to shift the reading frame beginning at codon 1795 and leads to a stop codon 19 codons downstream. This variant is expected to result in nonsense mediated decay, truncation, or a dysfunctional protein product. This variant is rare in the general population with a frequency below the threshold expected for the associated phenotype(s). Given the available evidence, this variant is classified as Likely Pathogenic.

NM_001142800.2(EYS):c.5384_5385del (p.Thr1795fs)

Gene: EYS (EGF-like photoreceptor maintenance factor; minus strand). Cytogenetic location: 6q12.
Variant type: Deletion.
Coding change: c.5384_5385del on transcript NM_001142800.2 (MANE Select); coding-DNA positions 5384 to 5385, 2 bases deleted (CA; older notation c.5384_5385delCA).
Protein change: p.Thr1795fs; shifts the reading frame from threonine 1795.
Molecular consequence: frameshift variant.
Genome position (GRCh38, 1-based): chr6:64,590,482-64,590,483, TG deleted on the plus strand (CA on the coding strand, the reverse complement: EYS is on the minus strand); deleting any 2 consecutive bases within chr6:64,590,482-64,590,484 gives the same sequence; the c. name uses the placement nearest the transcript's 3' end. VCF-style (leftmost placement, unchanged base first): chr6-64590481-CTG-C. GRCh37 (hg19) VCF-style: chr6-65300374-CTG-C.
Other names: c.5384_5385del, p.Thr1795fs (NM_001292009.2); short protein forms T1795fs.
Identifiers: ClinVar variation 4814648 (VCV004814648.1).